The following is an entry in ClinVar:

NM_002905.5(RDH5):c.483del (p.Thr162fs)

Genes: BLOC1S1-RDH5 (BLOC1S1-RDH5 readthrough; plus strand), RDH5 (retinol dehydrogenase 5; plus strand). Cytogenetic location: 12q13.2.
Variant type: Deletion.
Coding change: c.483del on transcript NM_002905.5 (MANE Select); coding-DNA position 483, one base deleted (C; older notation c.483delC).
Protein change: p.Thr162fs; shifts the reading frame from threonine 162.
Molecular consequence: frameshift variant. On other transcripts: non-coding transcript variant (1).
Genome position (GRCh38, 1-based): chr12:55,721,861, C deleted. VCF-style (leftmost placement, unchanged base first): chr12-55721860-TC-T. GRCh37 (hg19) VCF-style: chr12-56115644-TC-T.
Other names: c.483del, p.Thr162fs (NM_001199771.3); short protein forms T162fs.
Identifiers: ClinVar variation 4880585 (VCV004880585.2).

ClinVar aggregate classification (germline): Likely pathogenic (1 of 4 stars; one submission).

Conditions:
Pigmentary retinal dystrophy. Also called: Fundus albipunctatus. Identifiers: Orphanet 227796, Orphanet 52427, MedGen C0311338, MONDO:0007639, OMIM 136880, HP:0030642.

Submission:

Dasa
Classification: Likely pathogenic for fundus albipunctatus. Last evaluated: 2025-03-13. Review status: criteria provided, single submitter. Criteria: DASA Assertion Criteria. Collection method: clinical testing. Allele origin: germline.
Comment: NM_002905.5(RDH5):c.483del (p.Thr162Profs*28) is a frameshift variant in RDH5 predicted to alter the reading frame and introduce a premature termination codon and is predicted to result in an absent or altered protein product. Loss of function is an established disease mechanism for RDH5-associated disorders. Also, this variant is absent from population databases. Based on the currently available evidence, this variant is classified as likely pathogenic.